The following is an entry in ClinVar:

ClinVar aggregate classification (germline): Conflicting classifications of pathogenicity. Review status: criteria provided, conflicting classifications (1 of 4 stars). 4 submissions from 4 submitters: Pathogenic (1); Likely pathogenic (1); Uncertain significance (1). 1 of the submissions does not count toward it. Last evaluated 2022-01-01.

Conditions:
Ovarian cancer. Also called: OVARIAN CANCER, SOMATIC. Identifiers: Orphanet 213500, MedGen C1140680, MONDO:0008170, OMIM 167000.
Renal cysts and diabetes syndrome (RCAD). Also called: MATURITY-ONSET DIABETES OF THE YOUNG, TYPE 5; Familial hypoplastic, glomerulocystic kidney. Identifiers: Orphanet 93111, MedGen C0431693, MONDO:0007669, OMIM 137920.
Type 2 diabetes mellitus. Also called: Type II diabetes mellitus. Identifiers: MedGen C0011860, MeSH D003924, MONDO:0005148, OMIM 125853, HP:0005978.

Allele frequency attached by ClinVar (database versions not stated): gnomAD exomes below 0.00001; TOPMed below 0.00001; gnomAD 0.00001; ExAC 0.00005.

Submissions (4):

Laboratory of Molecular Epidemiology of Birth Defects, West China Second University Hospital, Sichuan University
Classification: Likely pathogenic for Ovarian cancer. Last evaluated: 2022-01-01. Review status: criteria provided, single submitter. Criteria: ACMG Guidelines, 2015. Collection method: clinical testing. Allele origin: germline. Affected: yes.

Institute of Human Genetics, FAU Erlangen, Friedrich-Alexander-Universität Erlangen-Nürnberg
Classification: Pathogenic for Renal cysts and diabetes syndrome. Last evaluated: 2019-07-06. Review status: criteria provided, single submitter. Criteria: ACMG Guidelines, 2015. Collection method: literature only. Allele origin: germline. Affected: yes.
Comment: This variant and it's classification has been reported by Vasileiou et al. 2019; DOI:10.1101/576918. The variants has previously been reported in ClinVar:12641; PMID:25700310; PMID:12161522 as "NM_000458.3(HNF1B):c.1395C>G (p.Ser465Arg)" with clinical significance Pathogenic. It has been re-classified using InterVar and manual curation as Pathogenic based on PS1 PS3 PS4 PM1 PP3 PP5.

Illumina Laboratory Services, Illumina
Classification: Uncertain significance for Renal cysts and diabetes syndrome. Last evaluated: 2017-04-27. Review status: criteria provided, single submitter. Criteria: ICSL Variant Classification Criteria 13 December 2019. Collection method: clinical testing. Allele origin: germline.
Comment: This variant was observed as part of a predisposition screen in an ostensibly healthy population. A literature search was performed for the gene, cDNA change, and amino acid change (where applicable). Publications were found based on this search. However, the evidence from the literature, in combination with allele frequency data from public databases where available, was not sufficient to rule this variant in or out of causing disease. Therefore, this variant is classified as a variant of unknown significance.

OMIM
Classification: Pathogenic for TYPE 2 DIABETES MELLITUS. Last evaluated: 2002-08-01. Review status: no assertion criteria provided. Collection method: literature only. Allele origin: germline. Not counted in ClinVar's aggregate classification.

Literature cited by the submitters: PubMed 25700310 (cited by Institute of Human Genetics, FAU Erlangen, Friedrich-Alexander-Universität Erlangen-Nürnberg); PubMed 12161522 (cited by 3 submitters); DOI 10.1101/576918 (cited by Institute of Human Genetics, FAU Erlangen, Friedrich-Alexander-Universität Erlangen-Nürnberg).

NM_000458.4(HNF1B):c.1395C>G (p.Ser465Arg)

Gene: HNF1B (HNF1 homeobox B; minus strand). Cytogenetic location: 17q12.
Variant type: single nucleotide variant.
Coding change: c.1395C>G on transcript NM_000458.4 (MANE Select); coding-DNA position 1395, C replaced by G.
Protein change: p.Ser465Arg; replaces serine 465 with arginine.
Molecular consequence: missense variant. On other transcripts: intron variant (1).
Genome position (GRCh38, 1-based): chr17:37,701,122, G>C on the plus strand (C>G on the coding strand, the complement: HNF1B is on the minus strand). VCF-style: chr17-37701122-G-C. GRCh37 (hg19) VCF-style: chr17-36061127-G-C.
Other names: c.1317C>G, p.Ser439Arg (NM_001165923.4); c.1261+3795C>G (NM_001304286.2); short protein forms S465R, S439R.
Identifiers: ClinVar variation 12641 (VCV000012641.10), dbSNP rs121918673, ClinGen allele CA122603.